The following is an entry in ClinVar:

ClinVar aggregate classification (germline): Uncertain significance. Review status: criteria provided, multiple submitters, no conflicts (2 of 4 stars). 3 submissions from 3 submitters: Uncertain significance (3). Last evaluated 2025-07-15.

Conditions:
Inborn genetic diseases. Identifiers: MedGen C0950123, MeSH D030342.

Allele frequency attached by ClinVar (database versions not stated): gnomAD exomes below 0.00001; gnomAD 0.00001.
gnomAD v4.1: 6 of 1,588,670 alleles (0.00038%); highest among the groups gnomAD compares: Admixed American, 0.0068%; no homozygotes.

Submissions (3):

Labcorp Genetics (formerly Invitae), Labcorp
Classification: Uncertain significance. Last evaluated: 2025-07-15. Review status: criteria provided, single submitter. Criteria: Invitae Variant Classification Sherloc (09022015). Collection method: clinical testing. Allele origin: germline.
Comment: This sequence change replaces valine, which is neutral and non-polar, with isoleucine, which is neutral and non-polar, at codon 1565 of the ANKRD26 protein (p.Val1565Ile). The frequency data for this variant in the population databases is considered unreliable, as metrics indicate poor data quality at this position in the gnomAD database. This variant has not been reported in the literature in individuals affected with ANKRD26-related conditions. ClinVar contains an entry for this variant (Variation ID: 2206144). An algorithm developed to predict the effect of missense changes on protein structure and function outputs the following: PolyPhen-2: "Benign". The isoleucine amino acid residue is found in multiple mammalian species, which suggests that this missense change does not adversely affect protein function. In summary, the available evidence is currently insufficient to determine the role of this variant in disease. Therefore, it has been classified as a Variant of Uncertain Significance.

Ambry Genetics
Classification: Uncertain significance for Inborn genetic diseases. Last evaluated: 2024-12-25. Review status: criteria provided, single submitter. Criteria: Ambry Variant Classification Scheme 2023. Collection method: clinical testing. Allele origin: germline.
Comment: The p.V1565I variant (also known as c.4693G>A), located in coding exon 31 of the ANKRD26 gene, results from a G to A substitution at nucleotide position 4693. The valine at codon 1565 is replaced by isoleucine, an amino acid with highly similar properties. This amino acid position is conserved. In addition, this alteration is predicted to be tolerated by in silico analysis. Based on the available evidence, the clinical significance of this variant remains unclear.

GeneDx
Classification: Uncertain significance. Last evaluated: 2022-08-09. Review status: criteria provided, single submitter. Criteria: GeneDx Variant Classification Process June 2021. Collection method: clinical testing. Allele origin: germline. Affected: yes.
Comment: Not observed at significant frequency in large population cohorts (gnomAD); In silico analysis supports that this missense variant does not alter protein structure/function; Has not been previously published as pathogenic or benign to our knowledge

NM_014915.3(ANKRD26):c.4693G>A (p.Val1565Ile)

Gene: ANKRD26 (ankyrin repeat domain 26; minus strand). Cytogenetic location: 10p12.1.
Variant type: single nucleotide variant.
Coding change: c.4693G>A on transcript NM_014915.3 (MANE Select); coding-DNA position 4693, G replaced by A.
Protein change: p.Val1565Ile; replaces valine 1565 with isoleucine.
Molecular consequence: missense variant.
Genome position (GRCh38, 1-based): chr10:27,014,525, C>T on the plus strand (G>A on the coding strand, the complement: ANKRD26 is on the minus strand). VCF-style: chr10-27014525-C-T. GRCh37 (hg19) VCF-style: chr10-27303454-C-T.
Other names: c.4690G>A, p.Val1564Ile (NM_001256053.2); short protein forms V1565I, V1564I.
Identifiers: ClinVar variation 2206144 (VCV002206144.7), dbSNP rs953922597, ClinGen allele CA204434016.
Genomic context (GRCh38, chr10:27,014,525, plus strand): 5'-ATTTCCTATGATTCTATATTTTGACTTACTTGGTTAGTTTACTTGACAAAGATTTTCTAA[C>T]TTTTAATTCTTCTAGATAGAGTTGCTTATATTTTTCCAGTTCGGTTTTATTAAAGTCTTC-3'
Protein context (NP_055730.2, residues 1555-1575): YKQLYLEELK[Val1565Ile]RKSLSSKLTK